The following is an entry in ClinVar:

ClinVar aggregate classification (germline): Uncertain significance. Review status: criteria provided, multiple submitters, no conflicts (2 of 4 stars). 8 submissions from 8 submitters: Uncertain significance (8). Last evaluated 2026-02-03.

Conditions:
Hereditary cancer-predisposing syndrome. Also called: Hereditary neoplastic syndrome; Neoplastic Syndromes, Hereditary; Hereditary Cancer Syndrome; Tumor predisposition. Identifiers: Orphanet 140162, MedGen C0027672, MeSH D009386, MONDO:0015356.
Familial cancer of breast. Also called: BREAST CANCER, FAMILIAL; hereditary breast carcinoma; Hereditary breast cancer. Identifiers: Orphanet 227535, MedGen C0346153, MONDO:0016419, OMIM 114480. Disease mechanism: loss of function.
Ataxia-telangiectasia syndrome (AT). Also called: LOUIS-BAR SYNDROME; Ataxia-telangiectasia, complementation group E; Cerebello-oculocutaneous telangiectasia; Immunodeficiency with ataxia telangiectasia; Ataxia-telangiectasia, complementation group D; AT, COMPLEMENTATION GROUP C. Identifiers: Orphanet 100, MedGen C0004135, MONDO:0008840, OMIM 208900.

Allele frequency attached by ClinVar (database versions not stated): gnomAD exomes 0.00001.
gnomAD v4.1: 5 of 1,608,352 alleles (0.00031%); highest among the groups gnomAD compares: Non-Finnish European, 0.00043%; no homozygotes.

Submissions (8):

Labcorp Genetics (formerly Invitae), Labcorp
Classification: Uncertain significance for Ataxia-telangiectasia syndrome. Last evaluated: 2026-02-03. Review status: criteria provided, single submitter. Criteria: Invitae Variant Classification Sherloc (09022015). Collection method: clinical testing. Allele origin: germline.
Comment: This sequence change replaces glutamine, which is neutral and polar, with arginine, which is basic and polar, at codon 1098 of the ATM protein (p.Gln1098Arg). This variant is not present in population databases (gnomAD no frequency). This missense change has been observed in individual(s) with prostate cancer (PMID: 33436325). ClinVar contains an entry for this variant (Variation ID: 407540). Invitae Evidence Modeling of protein sequence and biophysical properties (such as structural, functional, and spatial information, amino acid conservation, physicochemical variation, residue mobility, and thermodynamic stability) indicates that this missense variant is not expected to disrupt ATM protein function with a negative predictive value of 95%. In summary, the available evidence is currently insufficient to determine the role of this variant in disease. Therefore, it has been classified as a Variant of Uncertain Significance.

Ambry Genetics
Classification: Uncertain significance for Hereditary cancer-predisposing syndrome. Last evaluated: 2025-10-27. Review status: criteria provided, single submitter. Criteria: Ambry Variant Classification Scheme 2023. Collection method: clinical testing. Allele origin: germline.
Comment: The p.Q1098R variant (also known as c.3293A>G), located in coding exon 22 of the ATM gene, results from an A to G substitution at nucleotide position 3293. The glutamine at codon 1098 is replaced by arginine, an amino acid with highly similar properties. This amino acid position is well conserved in available vertebrate species. In addition, this alteration is predicted to be tolerated by in silico analysis. Since supporting evidence is limited at this time, the clinical significance of this alteration remains unclear.

Color Diagnostics, LLC DBA Color Health
Classification: Uncertain significance for Hereditary cancer-predisposing syndrome. Last evaluated: 2025-01-07. Review status: criteria provided, single submitter. Criteria: ACMG Guidelines, 2015. Collection method: clinical testing. Allele origin: germline.
Comment: This missense variant replaces glutamine with arginine at codon 1098 of the ATM protein. Computational prediction suggests that this variant may not impact protein structure and function. To our knowledge, functional studies have not been reported for this variant. This variant has been reported in an individual affected with prostate cancer (PMID: 33436325). This variant has not been identified in the general population by the Genome Aggregation Database (gnomAD). The available evidence is insufficient to determine the role of this variant in disease conclusively. Therefore, this variant is classified as a Variant of Uncertain Significance.

Baylor Genetics
Classification: Uncertain significance for Familial cancer of breast. Last evaluated: 2023-10-30. Review status: criteria provided, single submitter. Criteria: ACMG Guidelines, 2015. Collection method: clinical testing. Allele origin: unknown.

GeneDx
Classification: Uncertain significance. Last evaluated: 2023-03-02. Review status: criteria provided, single submitter. Criteria: GeneDx Variant Classification Process June 2021. Collection method: clinical testing. Allele origin: germline. Affected: yes.
Comment: Not observed at significant frequency in large population cohorts (gnomAD); In silico analysis supports that this missense variant does not alter protein structure/function; Observed in an individual with prostate cancer and absent in controls (Karlsson et al., 2021); This variant is associated with the following publications: (PMID: 33436325, 19781682)

Mendelics
Classification: Uncertain significance. Last evaluated: 2022-05-04. Review status: criteria provided, single submitter. Criteria: Mendelics Assertion Criteria 2019. Collection method: clinical testing. Allele origin: germline.

Institute for Clinical Genetics, University Hospital TU Dresden, University Hospital TU Dresden
Classification: Uncertain significance. Last evaluated: 2021-11-03. Review status: criteria provided, single submitter. Criteria: ACMG Guidelines, 2015. Collection method: clinical testing. Allele origin: germline.

Blueprint Genetics
Classification: Uncertain significance. Last evaluated: 2019-12-18. Review status: criteria provided, single submitter. Criteria: ACMG Guidelines, 2015. Collection method: clinical testing. Allele origin: germline.

Literature cited by the submitters: PubMed 33436325 (cited by Labcorp Genetics (formerly Invitae), Labcorp and Color Diagnostics, LLC DBA Color Health).

NM_000051.4(ATM):c.3293A>G (p.Gln1098Arg)

Gene: ATM (ATM serine/threonine kinase; plus strand). Cytogenetic location: 11q22.3.
Variant type: single nucleotide variant.
Coding change: c.3293A>G on transcript NM_000051.4 (MANE Select); coding-DNA position 3293, A replaced by G.
Protein change: p.Gln1098Arg; replaces glutamine 1098 with arginine.
Molecular consequence: missense variant.
Genome position (GRCh38, 1-based): chr11:108,279,499, A>G. VCF-style: chr11-108279499-A-G. GRCh37 (hg19) VCF-style: chr11-108150226-A-G.
Other names: c.3293A>G, p.Gln1098Arg (NM_001351834.2); short protein forms Q1098R.
Identifiers: ClinVar variation 407540 (VCV000407540.28), dbSNP rs1060501590, ClinGen allele CA16613128.